The following is an entry in ClinVar:

ClinVar aggregate classification (germline): Pathogenic (1 of 4 stars; one submission).

Submission:

Labcorp Genetics (formerly Invitae), Labcorp
Classification: Pathogenic. Last evaluated: 2023-01-13. Review status: criteria provided, single submitter. Criteria: Invitae Variant Classification Sherloc (09022015). Collection method: clinical testing. Allele origin: unknown.
Comment: For these reasons, this variant has been classified as Pathogenic. This variant has not been reported in the literature in individuals affected with CDH23-related conditions. This variant is a gross deletion of the genomic region encompassing exon(s) 2-3 of the CDH23 gene, which includes the initiator codon. This deletion extends beyond the assayed region for this gene and therefore may encompass additional genes. It is expected to result in an absent or disrupted protein product. Loss-of-function variants in CDH23 are known to be pathogenic (PMID: 11138009, 21940737).

Literature cited by the submitters: PubMed 11138009; PubMed 21940737.

NC_000010.10:g.(?_73199589)_(73206172_?)del

Gene: CDH23 (cadherin related 23; plus strand). Cytogenetic location: 10q22.1.
Variant type: Deletion.
Identifiers: ClinVar variation 3245002 (VCV003245002.1).